The following is an entry in ClinVar:

NM_003922.4(HERC1):c.8617C>T (p.Arg2873Cys)

Gene: HERC1 (HECT and RLD domain containing E3 ubiquitin protein ligase family member 1; minus strand). Cytogenetic location: 15q22.31.
Variant type: single nucleotide variant.
Coding change: c.8617C>T on transcript NM_003922.4 (MANE Select); coding-DNA position 8617, C replaced by T.
Protein change: p.Arg2873Cys; replaces arginine 2873 with cysteine.
Molecular consequence: missense variant.
Genome position (GRCh38, 1-based): chr15:63,664,533, G>A on the plus strand (C>T on the coding strand, the complement: HERC1 is on the minus strand). VCF-style: chr15-63664533-G-A. GRCh37 (hg19) VCF-style: chr15-63956732-G-A.
Other names: short protein forms R2873C.
Identifiers: ClinVar variation 1028682 (VCV001028682.4), dbSNP rs751039538, ClinGen allele CA7604894.

ClinVar aggregate classification (germline): Uncertain significance. Review status: criteria provided, multiple submitters, no conflicts (2 of 4 stars). 3 submissions from 3 submitters: Uncertain significance (3). Last evaluated 2025-03-05.

Conditions:
Inborn genetic diseases. Identifiers: MedGen C0950123, MeSH D030342.
Macrocephaly, dysmorphic facies, and psychomotor retardation (MDFPMR). Identifiers: Orphanet 457359, MedGen C4310766, MONDO:0014863, OMIM 617011.

Allele frequency attached by ClinVar (database versions not stated): TOPMed 0.00001; ExAC 0.00002; gnomAD 0.00002 and 0.00003; gnomAD exomes 0.00002.
gnomAD v4.1: 32 of 1,613,440 alleles (0.002%); highest among the groups gnomAD compares: Middle Eastern, 0.016%; no homozygotes.

Submissions (3):

Labcorp Genetics (formerly Invitae), Labcorp
Classification: Uncertain significance. Last evaluated: 2025-03-05. Review status: criteria provided, single submitter. Criteria: Invitae Variant Classification Sherloc (09022015). Collection method: clinical testing. Allele origin: germline.
Comment: This sequence change replaces arginine, which is basic and polar, with cysteine, which is neutral and slightly polar, at codon 2873 of the HERC1 protein (p.Arg2873Cys). This variant is present in population databases (rs751039538, gnomAD 0.005%). This variant has not been reported in the literature in individuals affected with HERC1-related conditions. ClinVar contains an entry for this variant (Variation ID: 1028682). An algorithm developed to predict the effect of missense changes on protein structure and function (PolyPhen-2) suggests that this variant is likely to be disruptive. In summary, the available evidence is currently insufficient to determine the role of this variant in disease. Therefore, it has been classified as a Variant of Uncertain Significance.

Ambry Genetics
Classification: Uncertain significance for Inborn genetic diseases. Last evaluated: 2021-11-09. Review status: criteria provided, single submitter. Criteria: Ambry Variant Classification Scheme 2023. Collection method: clinical testing. Allele origin: germline.

Baylor Genetics
Classification: Uncertain significance for Macrocephaly, dysmorphic facies, and psychomotor retardation. Last evaluated: 2020-08-27. Review status: criteria provided, single submitter. Criteria: ACMG Guidelines, 2015. Collection method: clinical testing. Allele origin: unknown. Affected: yes.
Comment: This variant was determined to be of uncertain significance according to ACMG Guidelines, 2015 [PMID:25741868].